The following is an entry in ClinVar:

NM_000079.4(CHRNA1):c.1243-3C>T

Gene: CHRNA1 (cholinergic receptor nicotinic alpha 1 subunit; minus strand). Cytogenetic location: 2q31.1.
Variant type: single nucleotide variant.
Coding change: c.1243-3C>T on transcript NM_000079.4 (MANE Select); 3 bases into the intron before coding-DNA position 1243, C replaced by T.
Molecular consequence: intron variant.
Genome position (GRCh38, 1-based): chr2:174,748,258, G>A on the plus strand (C>T on the coding strand, the complement: CHRNA1 is on the minus strand). VCF-style: chr2-174748258-G-A. GRCh37 (hg19) VCF-style: chr2-175612986-G-A.
Other names: c.1318-3C>T (NM_001039523.3).
Identifiers: ClinVar variation 663882 (VCV000663882.8), dbSNP rs1574002055, ClinGen allele CA915942122.

ClinVar aggregate classification (germline): Uncertain significance (1 of 4 stars; one submission).

Conditions:
Lethal multiple pterygium syndrome (LMPS). Identifiers: Orphanet 33108, MedGen C1854678, MONDO:0009668, OMIM 253290.

Submission:

Labcorp Genetics (formerly Invitae), Labcorp
Classification: Uncertain significance for Lethal multiple pterygium syndrome. Last evaluated: 2022-07-25. Review status: criteria provided, single submitter. Criteria: Invitae Variant Classification Sherloc (09022015). Collection method: clinical testing. Allele origin: germline.
Comment: In summary, the available evidence is currently insufficient to determine the role of this variant in disease. Therefore, it has been classified as a Variant of Uncertain Significance. Variants that disrupt the consensus splice site are a relatively common cause of aberrant splicing (PMID: 17576681, 9536098). Algorithms developed to predict the effect of sequence changes on RNA splicing suggest that this variant is not likely to affect RNA splicing. ClinVar contains an entry for this variant (Variation ID: 663882). This variant has not been reported in the literature in individuals affected with CHRNA1-related conditions. This variant is not present in population databases (gnomAD no frequency). This sequence change falls in intron 8 of the CHRNA1 gene. It does not directly change the encoded amino acid sequence of the CHRNA1 protein. It affects a nucleotide within the consensus splice site.

Literature cited by the submitters: PubMed 17576681; PubMed 9536098.